The following is an entry in ClinVar:

NM_144643.4(SCLT1):c.1620dup (p.Ala541fs)

Gene: SCLT1 (sodium channel and clathrin linker 1; minus strand). Cytogenetic location: 4q28.2.
Variant type: Duplication.
Coding change: c.1620dup on transcript NM_144643.4 (MANE Select); coding-DNA position 1620, one base duplicated (A; older notation c.1620dupA).
Protein change: p.Ala541fs; shifts the reading frame from alanine 541.
Molecular consequence: frameshift variant.
Genome position (GRCh38, 1-based): chr4:128,943,008, T duplicated on the plus strand (A on the coding strand, the reverse complement: SCLT1 is on the minus strand); the first of 8 consecutive T bases (chr4:128,943,008-128,943,015); duplicating any one gives the same sequence. VCF-style (leftmost placement, unchanged base first): chr4-128943007-C-CT. GRCh37 (hg19) VCF-style: chr4-129864162-C-CT.
Other names: c.1620dupA (NM_144643.3); short protein forms A541fs.
Identifiers: ClinVar variation 1359248 (VCV001359248.8), dbSNP rs760494753, ClinGen allele CA3079571.
Genomic context (GRCh38, chr4:128,943,007, plus strand): 5'-TATACTTTGATTTTCATAAGTACACATTTAACTCTAGTCTTGAAAATACCTTTACTTTGG[C>CT]TTTTTTTTGAGCCTCCAGGGCAATCTTCCTTAAACTCTCAGTCTCTTTCCGTAACTGTTT-3'

ClinVar aggregate classification (germline): Pathogenic/Likely pathogenic. Review status: criteria provided, multiple submitters, no conflicts (2 of 4 stars). 3 submissions from 3 submitters: Pathogenic (1); Likely pathogenic (2). Last evaluated 2025-08-07.

Conditions:
SCLT1-related disorder. Also called: SCLT1-related condition.

Submissions (3):

PreventionGenetics, part of Exact Sciences
Classification: Likely pathogenic for SCLT1-related condition. Last evaluated: 2025-08-07. Review status: criteria provided, single submitter. Criteria: ACMG Guidelines, 2015. Collection method: clinical testing. Allele origin: germline.
Comment: The SCLT1 c.1620dupA variant is predicted to result in a frameshift and premature protein termination (p.Ala541Serfs*11). To our knowledge, this variant has not been reported in the literature. This variant is reported in 0.011% of alleles in individuals of Ashkenazi Jewish descent in gnomAD v2 (as displayed in the table above). However, due to the poor quality of the data in the region, this allele frequency is not considered reliable. In gnomAD v4 (available only on GRCh38), this variant is reported in 0.003% of alleles in that subpopulation. Frameshift variants in SCLT1 are expected to be pathogenic. This variant is interpreted as likely pathogenic.

Labcorp Genetics (formerly Invitae), Labcorp
Classification: Pathogenic. Last evaluated: 2023-12-19. Review status: criteria provided, single submitter. Criteria: Invitae Variant Classification Sherloc (09022015). Collection method: clinical testing. Allele origin: germline.
Comment: This sequence change creates a premature translational stop signal (p.Ala541Serfs*11) in the SCLT1 gene. It is expected to result in an absent or disrupted protein product. Loss-of-function variants in SCLT1 are known to be pathogenic (PMID: 28005958). The frequency data for this variant in the population databases is considered unreliable, as metrics indicate poor data quality at this position in the gnomAD database. This variant has not been reported in the literature in individuals affected with SCLT1-related conditions. ClinVar contains an entry for this variant (Variation ID: 1359248). For these reasons, this variant has been classified as Pathogenic.

Blueprint Genetics
Classification: Likely pathogenic for SCLT1-related disorders. Last evaluated: 2022-01-17. Review status: criteria provided, single submitter. Criteria: ACMG Guidelines, 2015. Collection method: clinical testing. Allele origin: germline. Affected: yes. Observed: 5 variant alleles.

Literature cited by the submitters: PubMed 28005958 (cited by Labcorp Genetics (formerly Invitae), Labcorp).